The following is an entry in ClinVar:

ClinVar aggregate classification (germline): Likely benign. Review status: criteria provided, multiple submitters, no conflicts (2 of 4 stars). 3 submissions from 3 submitters: Likely benign (3). Last evaluated 2020-06-16.

Conditions:
Autosomal recessive juvenile Parkinson disease 2. Also called: PARKINSON DISEASE, JUVENILE, AUTOSOMAL RECESSIVE; Parkinson disease autosomal recessive, early onset; Juvenile parkinsonism; Parkinsonism, early onset, with diurnal fluctuation; PRKN-Related Early-Onset Parkinson Disease; Parkinson disease, juvenile, type 2. Identifiers: Orphanet 2828, MedGen C1868675, MONDO:0010820, OMIM 600116.

Allele frequency attached by ClinVar (database versions not stated): TOPMed 0.00153; gnomAD 0.00163; ExAC 0.00289; 1000 Genomes Project 30x 0.00515; 1000 Genomes Project 0.00619.
gnomAD v4.1: 1,281 of 1,566,314 alleles (0.082%); highest among the groups gnomAD compares: East Asian, 2.2%; 20 homozygotes.

Submissions (3):

GeneDx
Classification: Likely benign. Last evaluated: 2020-06-16. Review status: criteria provided, single submitter. Criteria: GeneDx Variant Classification Process June 2021. Collection method: clinical testing. Allele origin: germline. Affected: yes.
Comment: See Variant Classification Assertion Criteria.

Illumina Laboratory Services, Illumina
Classification: Likely benign for Autosomal recessive juvenile Parkinson disease 2. Last evaluated: 2018-01-13. Review status: criteria provided, single submitter. Criteria: ICSL Variant Classification Criteria 13 December 2019. Collection method: clinical testing. Allele origin: germline.
Comment: This variant was observed in the ICSL laboratory as part of a predisposition screen in an ostensibly healthy population. It had not been previously curated by ICSL or reported in the Human Gene Mutation Database (HGMD: prior to June 1st, 2018), and was therefore a candidate for classification through an automated scoring system. Utilizing variant allele frequency, disease prevalence and penetrance estimates, and inheritance mode, an automated score was calculated to assess if this variant is too frequent to cause the disease. Based on the score and internal cut-off values, a variant classified as likely benign is not then subjected to further curation. The score for this variant resulted in a classification of likely benign for this disease.

Breakthrough Genomics
Classification: Likely benign. Review status: criteria provided, single submitter. Criteria: ACMG Guidelines, 2015. Collection method: not provided. Allele origin: germline. Inheritance: Autosomal recessive inheritance. Affected: yes.

NM_004562.3(PRKN):c.*15C>A

Gene: PRKN (parkin RBR E3 ubiquitin protein ligase; minus strand). Cytogenetic location: 6q26.
Variant type: single nucleotide variant.
Coding change: c.*15C>A on transcript NM_004562.3 (MANE Select); 15 bases downstream of the stop codon, C replaced by A.
Molecular consequence: 3 prime UTR variant.
Genome position (GRCh38, 1-based): chr6:161,350,084, G>T on the plus strand (C>A on the coding strand, the complement: PRKN is on the minus strand). VCF-style: chr6-161350084-G-T. GRCh37 (hg19) VCF-style: chr6-161771116-G-T.
Other names: c.*15C>A (NM_013987.3, NM_013988.3).
Identifiers: ClinVar variation 356013 (VCV000356013.7), dbSNP rs35125035, ClinGen allele CA4089920.